The following is an entry in ClinVar:

ClinVar aggregate classification (germline): Likely benign. Review status: criteria provided, multiple submitters, no conflicts (2 of 4 stars). 2 submissions from 2 submitters: Likely benign (2). Last evaluated 2018-06-16.

Allele frequency attached by ClinVar (database versions not stated): gnomAD 0.00108 and 0.00153; ESP Exome Variant Server 0.00046; ExAC 0.00284; TOPMed 0.00287; gnomAD exomes 0.00295 and 0.00114; 1000 Genomes Project 30x 0.00953; 1000 Genomes Project 0.00958.
gnomAD v4.1: 1,924 of 1,614,126 alleles (0.12%); highest among the groups gnomAD compares: East Asian, 3.2%; 29 homozygotes.

Submissions (2):

GeneDx
Classification: Likely benign. Last evaluated: 2018-06-16. Review status: criteria provided, single submitter. Criteria: GeneDx Variant Classification (06012015). Collection method: clinical testing. Allele origin: germline. Affected: yes.
Comment: This variant is considered likely benign or benign based on one or more of the following criteria: it is a conservative change, it occurs at a poorly conserved position in the protein, it is predicted to be benign by multiple in silico algorithms, and/or has population frequency not consistent with disease.

Breakthrough Genomics
Classification: Likely benign. Review status: criteria provided, single submitter. Criteria: ACMG Guidelines, 2015. Collection method: not provided. Allele origin: germline. Inheritance: Autosomal recessive inheritance. Affected: yes.

NM_000257.4(MYH7):c.5655+21C>T

Gene: MYH7 (myosin heavy chain 7; minus strand). Cytogenetic location: 14q11.2.
Variant type: single nucleotide variant.
Coding change: c.5655+21C>T on transcript NM_000257.4 (MANE Select); 21 bases into the intron after coding-DNA position 5655, C replaced by T.
Molecular consequence: intron variant.
Genome position (GRCh38, 1-based): chr14:23,413,986, G>A on the plus strand (C>T on the coding strand, the complement: MYH7 is on the minus strand). VCF-style: chr14-23413986-G-A. GRCh37 (hg19) VCF-style: chr14-23883195-G-A.
Identifiers: ClinVar variation 188647 (VCV000188647.2), dbSNP rs3729499, ClinGen allele CA016335.